The following is an entry in ClinVar:

NM_024642.5(GALNT12):c.809A>T (p.Asn270Ile)

Gene: GALNT12 (polypeptide N-acetylgalactosaminyltransferase 12; plus strand). Cytogenetic location: 9q22.33.
Variant type: single nucleotide variant.
Coding change: c.809A>T on transcript NM_024642.5 (MANE Select); coding-DNA position 809, A replaced by T.
Protein change: p.Asn270Ile; replaces asparagine 270 with isoleucine.
Molecular consequence: missense variant.
Genome position (GRCh38, 1-based): chr9:98,831,849, A>T. VCF-style: chr9-98831849-A-T. GRCh37 (hg19) VCF-style: chr9-101594131-A-T.
Other names: short protein forms N270I.
Identifiers: ClinVar variation 827448 (VCV000827448.4), dbSNP rs1416100156, ClinGen allele CA374218057.

ClinVar aggregate classification (germline): Uncertain significance (1 of 4 stars; one submission).

gnomAD v4.1: 2 of 1,614,036 alleles (0.00012%); highest among the groups gnomAD compares: Non-Finnish European, 0.00017%; no homozygotes.

Submission:

Ambry Genetics
Classification: Uncertain significance. Last evaluated: 2019-03-06. Review status: criteria provided, single submitter. Criteria: Ambry Variant Classification Scheme 2023. Collection method: clinical testing. Allele origin: germline.
Comment: The p.N270I variant (also known as c.809A>T), located in coding exon 4 of the GALNT12 gene, results from an A to T substitution at nucleotide position 809. The asparagine at codon 270 is replaced by isoleucine, an amino acid with dissimilar properties. This amino acid position is highly conserved in available vertebrate species. In addition, the in silico prediction for this alteration is inconclusive. Since supporting evidence is limited at this time, the clinical significance of this alteration remains unclear.